The following is an entry in ClinVar:

NM_033223.5(GABRG3):c.1093C>T (p.Pro365Ser)

Gene: GABRG3 (gamma-aminobutyric acid type A receptor subunit gamma3; plus strand). Cytogenetic location: 15q12.
Variant type: single nucleotide variant.
Coding change: c.1093C>T on transcript NM_033223.5 (MANE Select); coding-DNA position 1093, C replaced by T.
Protein change: p.Pro365Ser; replaces proline 365 with serine.
Molecular consequence: missense variant.
Genome position (GRCh38, 1-based): chr15:27,527,963, C>T. VCF-style: chr15-27527963-C-T. GRCh37 (hg19) VCF-style: chr15-27773109-C-T.
Other names: short protein forms P365S.
Identifiers: ClinVar variation 3046640 (VCV003046640.2), dbSNP rs201427468, ClinGen allele CA7438416.

ClinVar aggregate classification (germline): Likely benign (0 of 4 stars; one submission).

Conditions:
GABRG3-related disorder. Also called: GABRG3-related condition.

Allele frequency attached by ClinVar (database versions not stated): TOPMed 0.00014; gnomAD 0.00017; gnomAD exomes 0.00021; ExAC 0.00064; 1000 Genomes Project 30x 0.00078; 1000 Genomes Project 0.00080.
gnomAD v4.1: 334 of 1,597,194 alleles (0.021%); highest among the groups gnomAD compares: East Asian, 0.61%; 4 homozygotes.

Submission:

PreventionGenetics, part of Exact Sciences
Classification: Likely benign for GABRG3-related condition. Last evaluated: 2022-03-16. Review status: no assertion criteria provided. Collection method: clinical testing. Allele origin: germline.
Comment: This variant is classified as likely benign based on ACMG/AMP sequence variant interpretation guidelines (Richards et al. 2015 PMID: 25741868, with internal and published modifications).